The following is an entry in ClinVar:

ClinVar aggregate classification (germline): Uncertain significance. Review status: criteria provided, multiple submitters, no conflicts (2 of 4 stars). 3 submissions from 3 submitters: Uncertain significance (3). Last evaluated 2025-12-03.

Conditions:
Inborn genetic diseases. Identifiers: MedGen C0950123, MeSH D030342.

Allele frequency attached by ClinVar (database versions not stated): gnomAD exomes 0.00001; 1000 Genomes Project 0.00020; TOPMed 0.00003; ExAC 0.00001; gnomAD 0.00001; 1000 Genomes Project 30x 0.00016.
gnomAD v4.1: 7 of 1,613,976 alleles (0.00043%); highest among the groups gnomAD compares: Admixed American, 0.01%; no homozygotes.

Submissions (3):

Labcorp Genetics (formerly Invitae), Labcorp
Classification: Uncertain significance. Last evaluated: 2025-12-03. Review status: criteria provided, single submitter. Criteria: Invitae Variant Classification Sherloc (09022015). Collection method: clinical testing. Allele origin: germline.
Comment: This sequence change replaces alanine, which is neutral and non-polar, with aspartic acid, which is acidic and polar, at codon 1867 of the ITPR1 protein (p.Ala1867Asp). This variant is present in population databases (rs535969136, gnomAD 0.006%). This variant has not been reported in the literature in individuals affected with ITPR1-related conditions. ClinVar contains an entry for this variant (Variation ID: 586051). Invitae Evidence Modeling of protein sequence and biophysical properties (such as structural, functional, and spatial information, amino acid conservation, physicochemical variation, residue mobility, and thermodynamic stability) indicates that this missense variant is not expected to disrupt ITPR1 protein function with a negative predictive value of 95%. In summary, the available evidence is currently insufficient to determine the role of this variant in disease. Therefore, it has been classified as a Variant of Uncertain Significance.

Ambry Genetics
Classification: Uncertain significance for Inborn genetic diseases. Last evaluated: 2025-08-23. Review status: criteria provided, single submitter. Criteria: Ambry Variant Classification Scheme 2023. Collection method: clinical testing. Allele origin: germline.

Athena Diagnostics
Classification: Uncertain significance. Last evaluated: 2017-11-20. Review status: criteria provided, single submitter. Criteria: Athena Diagnostics Criteria. Collection method: clinical testing. Allele origin: germline.

NM_001378452.1(ITPR1):c.5789C>A (p.Ala1930Asp)

Gene: ITPR1 (inositol 1,4,5-trisphosphate receptor type 1; plus strand). Cytogenetic location: 3p26.1.
Variant type: single nucleotide variant.
Coding change: c.5789C>A on transcript NM_001378452.1 (MANE Select); coding-DNA position 5789, C replaced by A.
Protein change: p.Ala1930Asp; replaces alanine 1930 with aspartic acid.
Molecular consequence: missense variant.
Genome position (GRCh38, 1-based): chr3:4,768,574, C>A. VCF-style: chr3-4768574-C-A. GRCh37 (hg19) VCF-style: chr3-4810258-C-A.
Other names: c.5600C>A (NM_002222.5); c.5645C>A, p.Ala1882Asp (NM_001099952.4); c.5744C>A, p.Ala1915Asp (NM_001168272.2); c.5600C>A, p.Ala1867Asp (NM_002222.7); short protein forms A1915D, A1882D, A1867D, A1930D.
Identifiers: ClinVar variation 586051 (VCV000586051.5), dbSNP rs535969136, ClinGen allele CA2232424.
Genomic context (GRCh38, chr3:4,768,574, plus strand): 5'-AAGAGCCCACAACACAGATAACAGAAGAGGTCCGGGATCAGCTCCTGGAGGCCTCCGCTG[C>A]CACCAGGAAAGCCTTCACCACTTTCAGGAGGGAGGCTGATCCCGACGACCACTACCAGCC-3'
Protein context (NP_001365381.1, residues 1920-1940): VRDQLLEASA[Ala1930Asp]TRKAFTTFRR